The following is an entry in ClinVar:

NM_001386140.1(MTTP):c.2076G>A (p.Met692Ile)

Gene: MTTP (microsomal triglyceride transfer protein; plus strand). Cytogenetic location: 4q23.
Variant type: single nucleotide variant.
Coding change: c.2076G>A on transcript NM_001386140.1 (MANE Select); coding-DNA position 2076, G replaced by A.
Protein change: p.Met692Ile; replaces methionine 692 with isoleucine.
Molecular consequence: missense variant.
Genome position (GRCh38, 1-based): chr4:99,612,999, G>A. VCF-style: chr4-99612999-G-A. GRCh37 (hg19) VCF-style: chr4-100534156-G-A.
Other names: c.2076G>A, p.Met692Ile (NM_000253.4); c.1827G>A, p.Met609Ile (NM_001300785.2); c.2076G>A (NM_000253.2); short protein forms M692I, M609I.
Identifiers: ClinVar variation 2145459 (VCV002145459.3), dbSNP rs756120120, ClinGen allele CA3022288.
Genomic context (GRCh38, chr4:99,612,999, plus strand): 5'-AGCCTTAATCGCAGCCACCCCTGACGAGGGGGAGGAGAACCTTGACTCCTATGCTGGTAT[G>A]TCAGCCATCCTCTTTGATGTTCAGCTCAGACCTGTCACCTTTTTCAACGGATACAGTGAT-3'
Protein context (NP_001373069.1, residues 682-702): GEENLDSYAG[Met692Ile]SAILFDVQLR

ClinVar aggregate classification (germline): Uncertain significance. Review status: criteria provided, multiple submitters, no conflicts (2 of 4 stars). 2 submissions from 2 submitters: Uncertain significance (2). Last evaluated 2023-08-19.

Conditions:
Inborn genetic diseases. Identifiers: MedGen C0950123, MeSH D030342.

Allele frequency attached by ClinVar (database versions not stated): gnomAD 0.00001; TOPMed 0.00001; ExAC 0.00002; gnomAD exomes 0.00002.
gnomAD v4.1: 13 of 1,613,930 alleles (0.00081%); highest among the groups gnomAD compares: East Asian, 0.022%; no homozygotes.

Submissions (2):

Ambry Genetics
Classification: Uncertain significance for Inborn genetic diseases. Last evaluated: 2023-08-19. Review status: criteria provided, single submitter. Criteria: Ambry Variant Classification Scheme 2023. Collection method: clinical testing. Allele origin: germline.

Labcorp Genetics (formerly Invitae), Labcorp
Classification: Uncertain significance. Last evaluated: 2022-03-29. Review status: criteria provided, single submitter. Criteria: Invitae Variant Classification Sherloc (09022015). Collection method: clinical testing. Allele origin: germline.
Comment: This sequence change replaces methionine, which is neutral and non-polar, with isoleucine, which is neutral and non-polar, at codon 692 of the MTTP protein (p.Met692Ile). This variant is present in population databases (rs756120120, gnomAD 0.02%). This variant has not been reported in the literature in individuals affected with MTTP-related conditions. Algorithms developed to predict the effect of missense changes on protein structure and function (SIFT, PolyPhen-2, Align-GVGD) all suggest that this variant is likely to be tolerated. Algorithms developed to predict the effect of sequence changes on RNA splicing suggest that this variant may disrupt the consensus splice site. In summary, the available evidence is currently insufficient to determine the role of this variant in disease. Therefore, it has been classified as a Variant of Uncertain Significance.